The following is an entry in ClinVar:

ClinVar aggregate classification (germline): Uncertain significance (1 of 4 stars; one submission).

Conditions:
Congenital myasthenic syndrome 8. Also called: MYASTHENIC SYNDROME, CONGENITAL, DUE TO AGRIN DEFICIENCY; Myasthenic syndrome, congenital, 8, with pre- and postsynaptic defects. Identifiers: Orphanet 590, MedGen C3808739, MONDO:0014052, OMIM 615120.

Submission:

Labcorp Genetics (formerly Invitae), Labcorp
Classification: Uncertain significance for Congenital myasthenic syndrome 8. Last evaluated: 2020-11-12. Review status: criteria provided, single submitter. Criteria: Invitae Variant Classification Sherloc (09022015). Collection method: clinical testing. Allele origin: germline.
Comment: This sequence change falls in intron 10 of the AGRN gene. It does not directly change the encoded amino acid sequence of the AGRN protein. It affects a nucleotide within the consensus splice site of the intron. This variant is not present in population databases (ExAC no frequency). This variant has not been reported in the literature in individuals with AGRN-related conditions. Nucleotide substitutions within the consensus splice site are a relatively common cause of aberrant splicing (PMID: 17576681, 9536098). Algorithms developed to predict the effect of sequence changes on RNA splicing suggest that this variant is not likely to affect RNA splicing, but this prediction has not been confirmed by published transcriptional studies. In summary, the available evidence is currently insufficient to determine the role of this variant in disease. Therefore, it has been classified as a Variant of Uncertain Significance.

Literature cited by the submitters: PubMed 17576681; PubMed 9536098.

NM_198576.4(AGRN):c.1999+4G>A

Gene: AGRN (agrin; plus strand). Cytogenetic location: 1p36.33.
Variant type: single nucleotide variant.
Coding change: c.1999+4G>A on transcript NM_198576.4 (MANE Select); 4 bases into the intron after coding-DNA position 1999, G replaced by A.
Molecular consequence: intron variant.
Genome position (GRCh38, 1-based): chr1:1,044,027, G>A. VCF-style: chr1-1044027-G-A. GRCh37 (hg19) VCF-style: chr1-979407-G-A.
Other names: c.1999+4G>A (NM_001305275.2); c.1684+4G>A (NM_001364727.2).
Identifiers: ClinVar variation 1422511 (VCV001422511.3), dbSNP rs55852615, ClinGen allele CA2573130455.